The following is an entry in ClinVar:

ClinVar aggregate classification (germline): Pathogenic/Likely pathogenic. Review status: criteria provided, multiple submitters, no conflicts (2 of 4 stars). 2 submissions from 2 submitters: Pathogenic (1); Likely pathogenic (1). Last evaluated 2025-03-20.

Conditions:
Mucopolysaccharidosis, MPS-IV-A (MPS4A). Also called: Morquio syndrome A, mild; MORQUIO SYNDROME A; GALACTOSAMINE-6-SULFATASE DEFICIENCY; GALNS DEFICIENCY; MORQUIO A DISEASE; MPS IVA. Identifiers: Orphanet 309297, Orphanet 582, MedGen C0086651, MONDO:0009659, OMIM 253000.

Submissions (2):

Labcorp Genetics (formerly Invitae), Labcorp
Classification: Pathogenic for Mucopolysaccharidosis, MPS-IV-A. Last evaluated: 2025-03-20. Review status: criteria provided, single submitter. Criteria: Invitae Variant Classification Sherloc (09022015). Collection method: clinical testing. Allele origin: germline.
Comment: This sequence change creates a premature translational stop signal (p.Phe227Profs*35) in the GALNS gene. It is expected to result in an absent or disrupted protein product. Loss-of-function variants in GALNS are known to be pathogenic (PMID: 12442278). This variant is not present in population databases (gnomAD no frequency). This variant has not been reported in the literature in individuals affected with GALNS-related conditions. ClinVar contains an entry for this variant (Variation ID: 1324449). For these reasons, this variant has been classified as Pathogenic.

Revvity Omics, Revvity
Classification: Likely pathogenic for Mucopolysaccharidosis, MPS-IV-A. Last evaluated: 2021-09-29. Review status: criteria provided, single submitter. Criteria: ACMG Guidelines, 2015. Collection method: clinical testing. Allele origin: germline.

Literature cited by the submitters: PubMed 12442278 (cited by Labcorp Genetics (formerly Invitae), Labcorp).

NM_000512.5(GALNS):c.675_676del (p.Phe227fs)

Gene: GALNS (galactosamine (N-acetyl)-6-sulfatase; minus strand). Cytogenetic location: 16q24.3.
Variant type: Deletion.
Coding change: c.675_676del on transcript NM_000512.5 (MANE Select); coding-DNA positions 675 to 676, 2 bases deleted (CT; older notation c.675_676delCT).
Protein change: p.Phe227fs; shifts the reading frame from phenylalanine 227.
Molecular consequence: frameshift variant.
Genome position (GRCh38, 1-based): chr16:88,835,807-88,835,808, AG deleted on the plus strand (CT on the coding strand, the reverse complement: GALNS is on the minus strand). VCF-style (leftmost placement, unchanged base first): chr16-88835806-AAG-A. GRCh37 (hg19) VCF-style: chr16-88902214-AAG-A.
Other names: c.120_121del, p.Phe42fs (NM_001323543.2); c.693_694del, p.Phe233fs (NM_001323544.2); short protein forms F227fs, F233fs, F42fs.
Identifiers: ClinVar variation 1324449 (VCV001324449.5), dbSNP rs2143001422, ClinGen allele CA2573054287.